The following is an entry in ClinVar:

ClinVar aggregate classification (germline): Uncertain significance (1 of 4 stars; one submission).

Submission:

Labcorp Genetics (formerly Invitae), Labcorp
Classification: Uncertain significance. Last evaluated: 2022-08-16. Review status: criteria provided, single submitter. Criteria: Invitae Variant Classification Sherloc (09022015). Collection method: clinical testing. Allele origin: germline.
Comment: In summary, the available evidence is currently insufficient to determine the role of this variant in disease. Therefore, it has been classified as a Variant of Uncertain Significance. Algorithms developed to predict the effect of missense changes on protein structure and function are either unavailable or do not agree on the potential impact of this missense change (SIFT: "Deleterious"; PolyPhen-2: "Benign"; Align-GVGD: "Class C0"). This variant has not been reported in the literature in individuals affected with DNAH9-related conditions. This variant is not present in population databases (gnomAD no frequency). This sequence change replaces isoleucine, which is neutral and non-polar, with leucine, which is neutral and non-polar, at codon 2224 of the DNAH9 protein (p.Ile2224Leu).

NM_001372.4(DNAH9):c.6670A>C (p.Ile2224Leu)

Gene: DNAH9 (dynein axonemal heavy chain 9; plus strand). Cytogenetic location: 17p12.
Variant type: single nucleotide variant.
Coding change: c.6670A>C on transcript NM_001372.4 (MANE Select); coding-DNA position 6670, A replaced by C.
Protein change: p.Ile2224Leu; replaces isoleucine 2224 with leucine.
Molecular consequence: missense variant.
Genome position (GRCh38, 1-based): chr17:11,752,892, A>C. VCF-style: chr17-11752892-A-C. GRCh37 (hg19) VCF-style: chr17-11656209-A-C.
Other names: short protein forms I2224L.
Identifiers: ClinVar variation 2067240 (VCV002067240.4), dbSNP rs764791480, ClinGen allele CA398194431.